The following is an entry in ClinVar:

NM_000094.4(COL7A1):c.3830C>T (p.Pro1277Leu)

Gene: COL7A1 (collagen type VII alpha 1 chain; minus strand). Cytogenetic location: 3p21.31.
Variant type: single nucleotide variant.
Coding change: c.3830C>T on transcript NM_000094.4 (MANE Select); coding-DNA position 3830, C replaced by T.
Protein change: p.Pro1277Leu; replaces proline 1277 with leucine.
Molecular consequence: missense variant.
Genome position (GRCh38, 1-based): chr3:48,585,691, G>A on the plus strand (C>T on the coding strand, the complement: COL7A1 is on the minus strand). VCF-style: chr3-48585691-G-A. GRCh37 (hg19) VCF-style: chr3-48623124-G-A.
Other names: NM_000094.3(COL7A1):c.3830C>T(p.Pro1277Leu); short protein forms P1277L.
Identifiers: ClinVar variation 255109 (VCV000255109.26), dbSNP rs35761247, ClinGen allele CA2380380.

ClinVar aggregate classification (germline): Benign/Likely benign. Review status: criteria provided, multiple submitters, no conflicts (2 of 4 stars). 11 submissions from 11 submitters: Benign (7); Likely benign (1). 3 of the submissions do not count toward it. Last evaluated 2026-05-11.

Conditions:
Epidermolysis bullosa dystrophica. Also called: Dystrophic epidermolysis bullosa, Hallopeau-Siemens type (formerly); Dystrophic epidermolysis bullosa. Identifiers: Orphanet 303, MedGen C0079294, MONDO:0006543.
Recessive dystrophic epidermolysis bullosa (RDEB). Also called: Epidermolysis Bullosa Distrophica Autosomal Recessive (RDEB); EPIDERMOLYSIS BULLOSA DYSTROPHICA, GENERALIZED SEVERE, AUTOSOMAL RECESSIVE; DYSTROPHIC EPIDERMOLYSIS BULLOSA, AUTOSOMAL RECESSIVE; EPIDERMOLYSIS BULLOSA DYSTROPHICA, HALLOPEAU-SIEMENS TYPE; severe generalized recessive dystrophic epidermolysis bullosa; epidermolysis bullosa dystrophica, autosomal recessive. Identifiers: Orphanet 79408, Orphanet 79409, MedGen C0079474, MONDO:0009179, OMIM 226600.

Allele frequency attached by ClinVar (database versions not stated): 1000 Genomes Project 30x 0.02202; 1000 Genomes Project 0.02276; gnomAD 0.03954 and 0.03984; ESP Exome Variant Server 0.04006; ExAC 0.04182; TOPMed 0.03188; gnomAD exomes 0.04307 and 0.05318.

Submissions (11):

Women's Health and Genetics/Laboratory Corporation of America, LabCorp
Classification: Likely benign. Last evaluated: 2026-05-11. Review status: criteria provided, single submitter. Criteria: LabCorp Variant Classification Summary - May 2015. Collection method: clinical testing. Allele origin: germline.

Labcorp Genetics (formerly Invitae), Labcorp
Classification: Benign. Last evaluated: 2026-02-04. Review status: criteria provided, single submitter. Criteria: Invitae Variant Classification Sherloc (09022015). Collection method: clinical testing. Allele origin: germline.

Mayo Clinic Laboratories, Mayo Clinic
Classification: Benign. Last evaluated: 2022-09-06. Review status: criteria provided, single submitter. Criteria: ACMG Guidelines, 2015. Collection method: clinical testing. Allele origin: germline. Observed: 5 variant alleles.

SIB Swiss Institute of Bioinformatics
Classification: Benign for Recessive dystrophic epidermolysis bullosa. Last evaluated: 2018-05-31. Review status: criteria provided, single submitter. Criteria: ACMG Guidelines, 2015. Collection method: curation. Allele origin: unknown.
Comment: This variant is interpreted as a Benign - Stand Alone, for Epidermolysis bullosa dystrophica, autosomal recessive, in Autosomal Recessive manner. The following ACMG Tag(s) were applied: BA1 => Allele frequency is >5% in Exome Sequencing Project, 1000 Genomes Project, or Exome Aggregation Consortium.

Illumina Laboratory Services, Illumina
Classification: Benign for Dystrophic epidermolysis bullosa. Last evaluated: 2018-01-13. Review status: criteria provided, single submitter. Criteria: ICSL Variant Classification Criteria 13 December 2019. Collection method: clinical testing. Allele origin: germline.
Comment: This variant was observed in the ICSL laboratory as part of a predisposition screen in an ostensibly healthy population. It had not been previously curated by ICSL or reported in the Human Gene Mutation Database (HGMD: prior to June 1st, 2018), and was therefore a candidate for classification through an automated scoring system. Utilizing variant allele frequency, disease prevalence and penetrance estimates, and inheritance mode, an automated score was calculated to assess if this variant is too frequent to cause the disease. Based on the score and internal cut-off values, a variant classified as benign is not then subjected to further curation. The score for this variant resulted in a classification of benign for this disease.

GeneDx
Classification: Benign. Last evaluated: 2015-03-03. Review status: criteria provided, single submitter. Criteria: GeneDx Variant Classification Process June 2021. Collection method: clinical testing. Allele origin: germline. Affected: yes.

Breakthrough Genomics
Classification: Benign. Review status: criteria provided, single submitter. Criteria: ACMG Guidelines, 2015. Collection method: not provided. Allele origin: germline. Inheritance: Autosomal recessive inheritance. Affected: yes.

PreventionGenetics, part of Exact Sciences
Classification: Benign. Review status: criteria provided, single submitter. Criteria: ACMG Guidelines, 2015. Collection method: clinical testing. Allele origin: germline.

Natera, Inc.
Classification: Benign for Dystrophic epidermolysis bullosa. Last evaluated: 2019-11-22. Review status: no assertion criteria provided. Collection method: clinical testing. Allele origin: germline. Not counted in ClinVar's aggregate classification.

Diagnostic Laboratory, Department of Genetics, University Medical Center Groningen
Classification: Benign. Review status: no assertion criteria provided. Collection method: clinical testing. Allele origin: germline. Affected: yes. Study: VKGL Data-share Consensus. Not counted in ClinVar's aggregate classification.

Joint Genome Diagnostic Labs from Nijmegen and Maastricht, Radboudumc and MUMC+
Classification: Benign. Review status: no assertion criteria provided. Collection method: clinical testing. Allele origin: germline. Affected: yes. Study: VKGL Data-share Consensus. Not counted in ClinVar's aggregate classification.